The following is an entry in ClinVar:

ClinVar aggregate classification (germline): Uncertain significance. Review status: criteria provided, multiple submitters, no conflicts (2 of 4 stars). 8 submissions from 8 submitters: Uncertain significance (8). Last evaluated 2026-05-04.

Conditions:
DSP-related disorder. Also called: DSP-related condition; DSP-related disorders.
Cardiovascular phenotype. Identifiers: MedGen CN230736.
Woolly hair-skin fragility syndrome (WHSF). Identifiers: Orphanet 293165, MedGen C1843292, MONDO:0957307, OMIM 620415.
Arrhythmogenic right ventricular dysplasia 8 (ARVD8). Also called: Arrhythmogenic Right Ventricular Dysplasia/Cardiomyopathy 8; ARRHYTHMOGENIC RIGHT VENTRICULAR DYSPLASIA, FAMILIAL, 8; ARRHYTHMOGENIC RIGHT VENTRICULAR CARDIOMYOPATHY 8. Identifiers: MedGen C1843896, MONDO:0011831, OMIM 607450.
Arrhythmogenic cardiomyopathy with wooly hair and keratoderma. Also called: Carvajal syndrome; Dilated cardiomyopathy with woolly hair and keratoderma; Arrhythmogenic cardiomyopathy with woolly hair and keratoderma; PALMOPLANTAR KERATODERMA WITH LEFT VENTRICULAR CARDIOMYOPATHY AND WOOLLY HAIR. Identifiers: Orphanet 65282, MedGen C1854063, MONDO:0011581, OMIM 605676.
Keratosis palmoplantaris striata 2. Also called: KERATODERMA, PALMOPLANTAR, STRIATE FORM II; STRIATE PALMOPLANTAR KERATODERMA II; Keratosis palmoplantaris striata II. Identifiers: MedGen C1852127, MONDO:0013034, OMIM 612908.
Cardiomyopathy, dilated, with wooly hair, keratoderma, and tooth agenesis. Also called: Cardiomyopathy, dilated, with woolly hair, keratoderma, and tooth agenesis; Erythrokeratodermia-cardiomyopathy syndrome. Identifiers: Orphanet 476096, Orphanet 65282, MedGen C4014393, MONDO:0014355, OMIM 615821.
Lethal acantholytic epidermolysis bullosa (EBLA). Identifiers: Orphanet 158687, MedGen C1864826, MONDO:0012323, OMIM 609638.
Cardiomyopathy (CMYO). Also called: Cardiomyopathies. Identifiers: Orphanet 167848, MedGen C0878544, MONDO:0004994, HP:0001638. Inheritance: Various modes of inheritance.

Allele frequency attached by ClinVar (database versions not stated): gnomAD 0.00001; gnomAD exomes 0.00001; ExAC 0.00002; TOPMed 0.00003.
gnomAD v4.1: 12 of 1,614,046 alleles (0.00074%); highest among the groups gnomAD compares: Admixed American, 0.0017%; no homozygotes.

Submissions (8):

PreventionGenetics, part of Exact Sciences
Classification: Uncertain significance for DSP-related condition. Last evaluated: 2026-05-04. Review status: criteria provided, single submitter. Criteria: ACMG Guidelines, 2015. Collection method: clinical testing. Allele origin: germline.
Comment: The DSP c.7855A>G variant is predicted to result in the amino acid substitution p.Ile2619Val. This variant has been reported as a variant of uncertain significance in an individual with unexplained cardiac arrest (Table S5, Grondin et al. 2022. PubMed ID: 35352813). This variant is reported in 0.0018% of alleles in individuals of European (Non-Finnish) descent in gnomAD. At this time, the clinical significance of this variant is uncertain due to the absence of conclusive functional and genetic evidence.

Mayo Clinic Laboratories, Mayo Clinic
Classification: Uncertain significance. Last evaluated: 2025-11-30. Review status: criteria provided, single submitter. Criteria: ACMG Guidelines, 2015. Collection method: clinical testing. Allele origin: germline. Observed: 1 variant allele.
Comment: BP4_moderate

GeneDx
Classification: Uncertain significance. Last evaluated: 2024-11-26. Review status: criteria provided, single submitter. Criteria: GeneDx Variant Classification Process June 2021. Collection method: clinical testing. Allele origin: germline. Affected: yes.
Comment: Reported in a cohort of patients with unexplained cardiac arrest (PMID: 35352813); Not observed at significant frequency in large population cohorts (gnomAD); In silico analysis indicates that this missense variant does not alter protein structure/function; This variant is associated with the following publications: (PMID: 35352813)

Labcorp Genetics (formerly Invitae), Labcorp
Classification: Uncertain significance for Arrhythmogenic cardiomyopathy with wooly hair and keratoderma; Arrhythmogenic right ventricular dysplasia 8. Last evaluated: 2024-11-24. Review status: criteria provided, single submitter. Criteria: Invitae Variant Classification Sherloc (09022015). Collection method: clinical testing. Allele origin: germline.
Comment: This sequence change replaces isoleucine, which is neutral and non-polar, with valine, which is neutral and non-polar, at codon 2619 of the DSP protein (p.Ile2619Val). This variant is present in population databases (rs767630308, gnomAD 0.002%). This missense change has been observed in individual(s) with unexplained cardiac arrest (PMID: 35352813). ClinVar contains an entry for this variant (Variation ID: 222586). An algorithm developed to predict the effect of missense changes on protein structure and function (PolyPhen-2) suggests that this variant is likely to be disruptive. In summary, the available evidence is currently insufficient to determine the role of this variant in disease. Therefore, it has been classified as a Variant of Uncertain Significance.

Color Diagnostics, LLC DBA Color Health
Classification: Uncertain significance for Cardiomyopathy. Last evaluated: 2024-03-06. Review status: criteria provided, single submitter. Criteria: ACMG Guidelines, 2015. Collection method: clinical testing. Allele origin: germline.
Comment: This missense variant replaces isoleucine with valine at codon 2619 of the DSP protein. Computational prediction suggests that this variant may not impact protein structure and function (internally defined REVEL score threshold <= 0.5, PMID: 27666373). To our knowledge, functional studies have not been reported for this variant. This variant has not been reported in individuals affected with DSP-related disorders in the literature. This variant has been identified in 2/250864 chromosomes in the general population by the Genome Aggregation Database (gnomAD). The available evidence is insufficient to determine the role of this variant in disease conclusively. Therefore, this variant is classified as a Variant of Uncertain Significance.

Blueprint Genetics
Classification: Uncertain significance. Last evaluated: 2022-09-26. Review status: criteria provided, single submitter. Criteria: ACMG Guidelines, 2015. Collection method: clinical testing. Allele origin: germline.

Ambry Genetics
Classification: Uncertain significance for Cardiovascular phenotype. Last evaluated: 2022-07-19. Review status: criteria provided, single submitter. Criteria: Ambry Variant Classification Scheme 2023. Collection method: clinical testing. Allele origin: germline.
Comment: The p.I2619V variant (also known as c.7855A>G), located in coding exon 24 of the DSP gene, results from an A to G substitution at nucleotide position 7855. The isoleucine at codon 2619 is replaced by valine, an amino acid with highly similar properties. This amino acid position is conserved. In addition, this alteration is predicted to be tolerated by in silico analysis. Since supporting evidence is limited at this time, the clinical significance of this alteration remains unclear.

Fulgent Genetics
Classification: Uncertain significance for Arrhythmogenic cardiomyopathy with wooly hair and keratoderma; Arrhythmogenic right ventricular dysplasia 8; Lethal acantholytic epidermolysis bullosa; Keratosis palmoplantaris striata 2; Cardiomyopathy, dilated, with wooly hair, keratoderma, and tooth agenesis. Last evaluated: 2022-02-14. Review status: criteria provided, single submitter. Criteria: ACMG Guidelines, 2015. Collection method: clinical testing. Allele origin: unknown.

Literature cited by the submitters: PubMed 35352813 (cited by Mayo Clinic Laboratories, Mayo Clinic and Labcorp Genetics (formerly Invitae), Labcorp).

NM_004415.4(DSP):c.7855A>G (p.Ile2619Val)

Gene: DSP (desmoplakin; plus strand). Cytogenetic location: 6p24.3.
Variant type: single nucleotide variant.
Coding change: c.7855A>G on transcript NM_004415.4 (MANE Select); coding-DNA position 7855, A replaced by G.
Protein change: p.Ile2619Val; replaces isoleucine 2619 with valine.
Molecular consequence: missense variant.
Genome position (GRCh38, 1-based): chr6:7,585,117, A>G. VCF-style: chr6-7585117-A-G. GRCh37 (hg19) VCF-style: chr6-7585350-A-G.
Other names: p.Ile2619Val; c.6058A>G, p.Ile2020Val (NM_001008844.3); c.6526A>G, p.Ile2176Val (NM_001319034.2); c.7855A>G (LRG_423t1, NM_004415.3); short protein forms I2619V, I2020V, I2176V.
Identifiers: ClinVar variation 222586 (VCV000222586.20), dbSNP rs767630308, ClinGen allele CA051024.